The following is an entry in ClinVar:

NM_014363.6(SACS):c.44C>T (p.Pro15Leu)

Genes: SACS (sacsin molecular chaperone; minus strand), LOC130009366 (ATAC-STARR-seq lymphoblastoid silent region 5172; plus strand). Cytogenetic location: 13q12.12.
Variant type: single nucleotide variant.
Coding change: c.44C>T on transcript NM_014363.6 (MANE Select); coding-DNA position 44, C replaced by T.
Protein change: p.Pro15Leu; replaces proline 15 with leucine.
Molecular consequence: missense variant. On other transcripts: 5 prime UTR variant (1).
Genome position (GRCh38, 1-based): chr13:23,375,246, G>A on the plus strand (C>T on the coding strand, the complement: SACS is on the minus strand). VCF-style: chr13-23375246-G-A. GRCh37 (hg19) VCF-style: chr13-23949385-G-A.
Other names: c.-310C>T (NM_001278055.2); short protein forms P15L.
Identifiers: ClinVar variation 3359753 (VCV003359753.1).
Genomic context (GRCh38, chr13:23,375,246, plus strand): 5'-TTCACATCGCGCACGGTCCAGGACGCCAGCGCCGCGACGGTCCTGCAGCCCACGCAGCCG[G>A]GGAGCACGGTCACCGGGACCCACCTGTGGAAAGCAGAGGGACGCTCAGTCGGGCTGCGGC-3'
Protein context (NP_055178.3, residues 5-25): ENRWVPVTVL[Pro15Leu]GCVGCRTVAA

ClinVar aggregate classification (germline): Uncertain significance (1 of 4 stars; one submission).

gnomAD v4.1: 3 of 1,480,596 alleles (0.0002%); highest among the groups gnomAD compares: Admixed American, 0.0071%; no homozygotes.

Submission:

GeneDx
Classification: Uncertain significance. Last evaluated: 2023-06-14. Review status: criteria provided, single submitter. Criteria: GeneDx Variant Classification Process June 2021. Collection method: clinical testing. Allele origin: germline. Affected: yes.
Comment: Not observed at significant frequency in large population cohorts (gnomAD); In silico analysis supports that this missense variant does not alter protein structure/function; Has not been previously published as pathogenic or benign to our knowledge